The following is an entry in ClinVar:

ClinVar aggregate classification (germline): Uncertain significance. Review status: criteria provided, multiple submitters, no conflicts (2 of 4 stars). 2 submissions from 2 submitters: Uncertain significance (2). Last evaluated 2025-10-24.

Conditions:
Pancreatic adenocarcinoma. Identifiers: MedGen C0281361, MONDO:0006047, HP:0006725.

Allele frequency attached by ClinVar (database versions not stated): gnomAD 0.00001; gnomAD exomes 0.00001 and 0.00006; TOPMed 0.00003; ExAC 0.00008; 1000 Genomes Project 30x 0.00016; 1000 Genomes Project 0.00020.
gnomAD v4.1: 22 of 1,613,644 alleles (0.0014%); highest among the groups gnomAD compares: Admixed American, 0.0033%; no homozygotes.

Submissions (2):

Labcorp Genetics (formerly Invitae), Labcorp
Classification: Uncertain significance for Pancreatic adenocarcinoma. Last evaluated: 2025-10-24. Review status: criteria provided, single submitter. Criteria: Invitae Variant Classification Sherloc (09022015). Collection method: clinical testing. Allele origin: germline.
Comment: This sequence change replaces arginine, which is basic and polar, with cysteine, which is neutral and slightly polar, at codon 545 of the PALLD protein (p.Arg545Cys). This variant is present in population databases (rs548068667, gnomAD 0.01%). This variant has not been reported in the literature in individuals affected with PALLD-related conditions. ClinVar contains an entry for this variant (Variation ID: 348045). An algorithm developed to predict the effect of missense changes on protein structure and function (PolyPhen-2) suggests that this variant is likely to be disruptive. In summary, the available evidence is currently insufficient to determine the role of this variant in disease. Therefore, it has been classified as a Variant of Uncertain Significance.

Ambry Genetics
Classification: Uncertain significance. Last evaluated: 2023-12-31. Review status: criteria provided, single submitter. Criteria: Ambry Variant Classification Scheme 2023. Collection method: clinical testing. Allele origin: germline.
Comment: The p.R1032C variant (also known as c.3094C>T), located in coding exon 17 of the PALLD gene, results from a C to T substitution at nucleotide position 3094. The arginine at codon 1032 is replaced by cysteine, an amino acid with highly dissimilar properties. This amino acid position is conserved. In addition, the in silico prediction for this alteration is inconclusive. Since supporting evidence is limited at this time, the clinical significance of this alteration remains unclear.

NM_001166108.2(PALLD):c.3145C>T (p.Arg1049Cys)

Genes: CBR4 (carbonyl reductase 4; minus strand), PALLD (palladin, cytoskeletal associated protein; plus strand). Cytogenetic location: 4q32.3.
Variant type: single nucleotide variant.
Coding change: c.3145C>T on transcript NM_001166108.2 (MANE Select); coding-DNA position 3145, C replaced by T.
Protein change: p.Arg1049Cys; replaces arginine 1049 with cysteine.
Molecular consequence: missense variant.
Genome position (GRCh38, 1-based): chr4:168,924,341, C>T. VCF-style: chr4-168924341-C-T. GRCh37 (hg19) VCF-style: chr4-169845492-C-T.
Other names: c.1948C>T, p.Arg650Cys (NM_001166109.2); c.1633C>T, p.Arg545Cys (NM_001166110.2); c.973C>T, p.Arg325Cys (NM_001367567.1, NM_001367569.1); c.1024C>T, p.Arg342Cys (NM_001367568.1, NM_001367570.1); c.3094C>T, p.Arg1032Cys (NM_016081.4); short protein forms R1032C, R1049C, R545C, R342C, R325C, R650C.
Identifiers: ClinVar variation 348045 (VCV000348045.14), dbSNP rs548068667, ClinGen allele CA3136049.